The following is an entry in ClinVar:

NM_004525.3(LRP2):c.9442C>A (p.Arg3148=)

Gene: LRP2 (LDL receptor related protein 2; minus strand). Cytogenetic location: 2q31.1.
Variant type: single nucleotide variant.
Coding change: c.9442C>A on transcript NM_004525.3 (MANE Select); coding-DNA position 9442, C replaced by A.
Protein change: p.Arg3148=; no amino-acid change (arginine 3148 retained).
Molecular consequence: synonymous variant.
Genome position (GRCh38, 1-based): chr2:169,185,906, G>T on the plus strand (C>A on the coding strand, the complement: LRP2 is on the minus strand). VCF-style: chr2-169185906-G-T. GRCh37 (hg19) VCF-style: chr2-170042416-G-T.
Identifiers: ClinVar variation 332111 (VCV000332111.11), dbSNP rs776178253, ClinGen allele CA1953571.

ClinVar aggregate classification (germline): Conflicting classifications of pathogenicity. Review status: criteria provided, conflicting classifications (1 of 4 stars). 4 submissions from 4 submitters: Uncertain significance (1); Likely benign (2). 1 of the submissions does not count toward it. Last evaluated 2024-10-17.

Conditions:
Donnai-Barrow syndrome. Also called: DBS/FOAR SYNDROME; FACIOOCULOACOUSTICORENAL SYNDROME. Identifiers: Orphanet 2143, MedGen C1857277, MONDO:0009104, OMIM 222448.
LRP2-related disorder. Also called: LRP2-related condition.

Allele frequency attached by ClinVar (database versions not stated): gnomAD exomes 0.00003; gnomAD 0.00004; TOPMed 0.00004; ExAC 0.00003.
gnomAD v4.1: 76 of 1,613,772 alleles (0.0047%); highest among the groups gnomAD compares: Non-Finnish European, 0.0061%; no homozygotes.

Submissions (4):

Labcorp Genetics (formerly Invitae), Labcorp
Classification: Likely benign. Last evaluated: 2024-10-17. Review status: criteria provided, single submitter. Criteria: Invitae Variant Classification Sherloc (09022015). Collection method: clinical testing. Allele origin: germline.

Blueprint Genetics
Classification: Likely benign. Last evaluated: 2021-01-15. Review status: criteria provided, single submitter. Criteria: ACMG Guidelines, 2015. Collection method: clinical testing. Allele origin: germline.

Illumina Laboratory Services, Illumina
Classification: Uncertain significance for Donnai-Barrow syndrome. Last evaluated: 2018-01-13. Review status: criteria provided, single submitter. Criteria: ICSL Variant Classification Criteria 13 December 2019. Collection method: clinical testing. Allele origin: germline.

PreventionGenetics, part of Exact Sciences
Classification: Likely benign for LRP2-related condition. Last evaluated: 2024-08-07. Review status: no assertion criteria provided. Collection method: clinical testing. Allele origin: germline. Not counted in ClinVar's aggregate classification.
Comment: This variant is classified as likely benign based on ACMG/AMP sequence variant interpretation guidelines (Richards et al. 2015 PMID: 25741868, with internal and published modifications).